The following is an entry in ClinVar:

ClinVar aggregate classification (germline): Uncertain significance (1 of 4 stars; one submission).

Conditions:
Primary erythromelalgia. Also called: SCN9A Erythromelalgia (SCN9A-EM); primary erythermalgia. Identifiers: Orphanet 306577, Orphanet 90026, MedGen C0014805, MONDO:0007571, OMIM 133020.
Channelopathy-associated congenital insensitivity to pain, autosomal recessive. Also called: ASYMBOLIA FOR PAIN; CONGENITAL ANALGESIA, AUTOSOMAL RECESSIVE; Insensitivity to pain, channelopathy-associated. Identifiers: Orphanet 88642, Orphanet 970, MedGen C1855739, MONDO:0009459, OMIM 243000.
Paroxysmal extreme pain disorder (PEXPD). Also called: PAIN, SUBMANDIBULAR, OCULAR, AND RECTAL, WITH FLUSHING; RECTAL PAIN, FAMILIAL; SCN9A Paroxysmal Extreme Pain Disorder (SCN9A-PEPD). Identifiers: Orphanet 46348, MedGen C1833661, MONDO:0008179, OMIM 167400.

Submission:

Juno Genomics, Hangzhou Juno Genomics, Inc
Classification: Uncertain significance for Primary erythromelalgia; Channelopathy-associated congenital insensitivity to pain, autosomal recessive; Paroxysmal extreme pain disorder. Review status: criteria provided, single submitter. Criteria: ACMG Guidelines, 2015. Collection method: clinical testing. Allele origin: germline. Affected: yes.
Comment: Absent from controls (or at extremely low frequency if recessive) in Genome Aggregation Database, Exome Sequencing Project, 1000 Genomes Project, or Exome Aggregation Consortium.;Multiple lines of computational evidence support a deleterious effect on the gene or gene product (conservation, evolutionary, splicing impact, etc).;Patient's phenotype or family history is highly specific for a disease with a single genetic etiology.

NM_001365536.1(SCN9A):c.3613A>G (p.Ser1205Gly)

Genes: SCN1A-AS1 (SCN1A and SCN9A antisense RNA 1; plus strand), SCN9A (sodium voltage-gated channel alpha subunit 9; minus strand). Cytogenetic location: 2q24.3.
Variant type: single nucleotide variant.
Coding change: c.3613A>G on transcript NM_001365536.1 (MANE Select); coding-DNA position 3613, A replaced by G.
Protein change: p.Ser1205Gly; replaces serine 1205 with glycine.
Molecular consequence: missense variant.
Genome position (GRCh38, 1-based): chr2:166,242,516, T>C on the plus strand (A>G on the coding strand, the complement: SCN9A is on the minus strand). VCF-style: chr2-166242516-T-C. GRCh37 (hg19) VCF-style: chr2-167099026-T-C.
Other names: c.3580A>G, p.Ser1194Gly (NM_002977.4); short protein forms S1194G, S1205G.
Identifiers: ClinVar variation 3382983 (VCV003382983.2).